The following is an entry in ClinVar:

ClinVar aggregate classification (germline): Uncertain significance (1 of 4 stars; one submission).

Conditions:
Autoimmune lymphoproliferative syndrome type 1. Also called: AUTOIMMUNE LYMPHOPROLIFERATIVE SYNDROME, TYPE I, AUTOSOMAL DOMINANT. Identifiers: Orphanet 3261, MedGen C2717884, MONDO:0011158, OMIM 601859.

Allele frequency attached by ClinVar (database versions not stated): TOPMed 0.00001; gnomAD exomes 0.00001 and 0.00002.
gnomAD v4.1: 10 of 1,613,468 alleles (0.00062%); highest among the groups gnomAD compares: East Asian, 0.0067%; no homozygotes.

Submission:

Labcorp Genetics (formerly Invitae), Labcorp
Classification: Uncertain significance for Autoimmune lymphoproliferative syndrome. Last evaluated: 2022-01-04. Review status: criteria provided, single submitter. Criteria: Invitae Variant Classification Sherloc (09022015). Collection method: clinical testing. Allele origin: germline.
Comment: This variant has not been reported in the literature in individuals affected with FASLG-related conditions. In summary, the available evidence is currently insufficient to determine the role of this variant in disease. Therefore, it has been classified as a Variant of Uncertain Significance. Algorithms developed to predict the effect of missense changes on protein structure and function (SIFT, PolyPhen-2, Align-GVGD) all suggest that this variant is likely to be tolerated. This variant is present in population databases (no rsID available, gnomAD 0.02%). This sequence change replaces arginine, which is basic and polar, with glutamine, which is neutral and polar, at codon 115 of the FASLG protein (p.Arg115Gln).

NM_000639.3(FASLG):c.344G>A (p.Arg115Gln)

Gene: FASLG (Fas ligand; plus strand). Cytogenetic location: 1q24.3.
Variant type: single nucleotide variant.
Coding change: c.344G>A on transcript NM_000639.3 (MANE Select); coding-DNA position 344, G replaced by A.
Protein change: p.Arg115Gln; replaces arginine 115 with glutamine.
Molecular consequence: missense variant.
Genome position (GRCh38, 1-based): chr1:172,659,545, G>A. VCF-style: chr1-172659545-G-A. GRCh37 (hg19) VCF-style: chr1-172628685-G-A.
Other names: c.344G>A, p.Arg115Gln (NM_001302746.2); short protein forms R115Q.
Identifiers: ClinVar variation 1419756 (VCV001419756.6), dbSNP rs1023476500, ClinGen allele CA32978973.